The following is an entry in ClinVar:

ClinVar aggregate classification (germline): Uncertain significance. Review status: criteria provided, single submitter (1 of 4 stars). 2 submissions from 2 submitters: Uncertain significance (1). 1 of the submissions does not count toward it. Last evaluated 2025-07-16.

gnomAD v4.1: 30 of 1,613,478 alleles (0.0019%); highest among the groups gnomAD compares: Non-Finnish European, 0.0025%; no homozygotes.

Submissions (2):

Ambry Genetics
Classification: Uncertain significance. Last evaluated: 2025-07-16. Review status: criteria provided, single submitter. Criteria: Ambry Variant Classification Scheme 2023. Collection method: clinical testing. Allele origin: germline.

Department of Pathology and Laboratory Medicine, Sinai Health System
Classification: Uncertain significance. Review status: no assertion criteria provided. Collection method: clinical testing. Allele origin: unknown. Affected: yes. Study: The Canadian Open Genetics Repository (COGR). Not counted in ClinVar's aggregate classification.
Comment: The AQP5 p.Gly30Ser variant was not identified in the literature nor was it identified in ClinVar. The variant was identified in dbSNP (ID: rs139623970) and LOVD 3.0 (not classified). The variant was identified in control databases in 2 of 281716 chromosomes at a frequency of 0.000007099 (Genome Aggregation Database March 6, 2019, v2.1.1). The variant was observed in the European (non-Finnish) population in 2 of 128342 chromosomes (freq: 0.000016), but was not observed in the African, Latino, Ashkenazi Jewish, East Asian, European (Finnish), Other, or South Asian populations. The p.Gly30 residue is conserved in mammals and computational analyses (PolyPhen-2, SIFT, AlignGVGD, BLOSUM, MutationTaster) provide inconsistent predictions regarding the impact to the protein; this information is not very predictive of pathogenicity. The variant occurs outside of the splicing consensus sequence and three of four in silico or computational prediction software programs (SpliceSiteFinder, MaxEntScan, NNSPLICE, GeneSplicer) do not predict a difference in splicing. In summary, based on the above information the clinical significance of this variant cannot be determined with certainty at this time. This variant is classified as a variant of uncertain significance.

NM_001651.4(AQP5):c.88G>A (p.Gly30Ser)

Genes: AQP5 (aquaporin 5; plus strand), AQP5-AS1 (AQP5 and AQP2 antisense RNA 2; minus strand). Cytogenetic location: 12q13.12.
Variant type: single nucleotide variant.
Coding change: c.88G>A on transcript NM_001651.4 (MANE Select); coding-DNA position 88, G replaced by A.
Protein change: p.Gly30Ser; replaces glycine 30 with serine.
Molecular consequence: missense variant.
Genome position (GRCh38, 1-based): chr12:49,962,105, G>A. VCF-style: chr12-49962105-G-A. GRCh37 (hg19) VCF-style: chr12-50355888-G-A.
Other names: c.88G>A (NM_001651.2); short protein forms G30S.
Identifiers: ClinVar variation 1049481 (VCV001049481.2), dbSNP rs139623970, ClinGen allele CA236692301.